The following is an entry in ClinVar:

ClinVar aggregate classification (germline): Likely benign. Review status: criteria provided, multiple submitters, no conflicts (2 of 4 stars). 2 submissions from 2 submitters: Likely benign (2). Last evaluated 2026-07-10.

Conditions:
FGFR3-related disorder. Also called: FGFR3-related disorders.

Allele frequency attached by ClinVar (database versions not stated): gnomAD 0.00001; TOPMed 0.00001; ExAC 0.00002.
gnomAD v4.1: 7 of 1,605,878 alleles (0.00044%); highest among the groups gnomAD compares: Non-Finnish European, 0.00051%; no homozygotes.

Submissions (2):

PreventionGenetics, part of Exact Sciences
Classification: Likely benign for FGFR3-related condition. Last evaluated: 2026-07-10. Review status: criteria provided, single submitter. Criteria: ACMG Guidelines, 2015. Collection method: clinical testing. Allele origin: germline.
Comment: This variant is classified as likely benign based on ACMG/AMP sequence variant interpretation guidelines (Richards et al. 2015 PMID: 25741868, with internal and published modifications).

Labcorp Genetics (formerly Invitae), Labcorp
Classification: Likely benign. Last evaluated: 2024-10-07. Review status: criteria provided, single submitter. Criteria: Invitae Variant Classification Sherloc (09022015). Collection method: clinical testing. Allele origin: germline.

NM_000142.5(FGFR3):c.616-10C>T

Gene: FGFR3 (fibroblast growth factor receptor 3; plus strand). Cytogenetic location: 4p16.3.
Variant type: single nucleotide variant.
Coding change: c.616-10C>T on transcript NM_000142.5 (MANE Select); 10 bases into the intron before coding-DNA position 616, C replaced by T.
Molecular consequence: intron variant.
Genome position (GRCh38, 1-based): chr4:1,801,610, C>T. VCF-style: chr4-1801610-C-T. GRCh37 (hg19) VCF-style: chr4-1803337-C-T.
Other names: c.616-10C>T (NM_001163213.2, NM_001354809.2, NM_001354810.2 and 2 more transcripts).
Identifiers: ClinVar variation 2125258 (VCV002125258.5), dbSNP rs748675983, ClinGen allele CA2809901.